The following is an entry in ClinVar:

NM_002739.5(PRKCG):c.76A>G (p.Arg26Gly)

Gene: PRKCG (protein kinase C gamma; plus strand). Cytogenetic location: 19q13.42.
Variant type: single nucleotide variant.
Coding change: c.76A>G on transcript NM_002739.5 (MANE Select); coding-DNA position 76, A replaced by G.
Protein change: p.Arg26Gly; replaces arginine 26 with glycine.
Molecular consequence: missense variant.
Genome position (GRCh38, 1-based): chr19:53,882,570, A>G. VCF-style: chr19-53882570-A-G. GRCh37 (hg19) VCF-style: chr19-54385824-A-G.
Other names: c.76a>g; c.76A>G, p.Arg26Gly (NM_001316329.2); c.76A>G (NM_002739.3); short protein forms R26G.
Identifiers: ClinVar variation 42174 (VCV000042174.4), dbSNP rs386134157, ClinGen allele CA344650.

ClinVar aggregate classification (germline): Likely pathogenic. Review status: criteria provided, single submitter (1 of 4 stars). 2 submissions from 2 submitters: Likely pathogenic (1). 1 of the submissions does not count toward it. Last evaluated 2025-03-03.

Conditions:
Spinocerebellar ataxia type 14 (SCA14). Identifiers: Orphanet 98763, MedGen C1854369, MONDO:0011540, OMIM 605361.

Allele frequency attached by ClinVar (database versions not stated): gnomAD exomes below 0.00001.
gnomAD v4.1: 1 of 1,613,960 alleles (0.000062%); highest among the groups gnomAD compares: Non-Finnish European, 0.000085%; no homozygotes.

Submissions (2):

Athena Diagnostics
Classification: Likely pathogenic. Last evaluated: 2025-03-03. Review status: criteria provided, single submitter. Criteria: Athena Diagnostics Criteria. Collection method: clinical testing. Allele origin: unknown.
Comment: This variant has not been reported in large, multi-ethnic general populations. This variant has been identified in individuals with clinical features of autosomal dominant spinocerebellar ataxia and segregates with disease in at least one family. Polyphen and MutationTaster predict this amino acid change may be damaging to the protein.

GeneReviews
No classification provided. Condition: Spinocerebellar ataxia type 14. Review status: no classification provided. Collection method: literature only. Allele origin: germline. Not counted in ClinVar's aggregate classification.

Literature cited by the submitters: PubMed 22675081 (cited by Athena Diagnostics); NCBI Bookshelf NBK1399 (cited by GeneReviews); PubMed 20301573 (cited by GeneReviews).